The following is an entry in ClinVar:

NM_020653.4(ZNF287):c.2195A>G (p.Tyr732Cys)

Gene: ZNF287 (zinc finger protein 287; minus strand). Cytogenetic location: 17p11.2.
Variant type: single nucleotide variant.
Coding change: c.2195A>G on transcript NM_020653.4 (MANE Select); coding-DNA position 2195, A replaced by G.
Protein change: p.Tyr732Cys; replaces tyrosine 732 with cysteine.
Molecular consequence: missense variant.
Genome position (GRCh38, 1-based): chr17:16,551,947, T>C on the plus strand (A>G on the coding strand, the complement: ZNF287 is on the minus strand). VCF-style: chr17-16551947-T-C. GRCh37 (hg19) VCF-style: chr17-16455261-T-C.
Other names: c.2195A>G, p.Tyr732Cys (NM_001346167.2, NM_001346168.2, NM_001346169.2); c.2051A>G, p.Tyr684Cys (NM_001346170.1); c.1688A>G, p.Tyr563Cys (NM_001346171.2); short protein forms Y563C, Y684C, Y732C.
Identifiers: ClinVar variation 1710381 (VCV001710381.3), dbSNP rs750109686, ClinGen allele CA288233235.

ClinVar aggregate classification (germline): Uncertain significance (1 of 4 stars; one submission).

Allele frequency attached by ClinVar (database versions not stated): gnomAD exomes below 0.00001.
gnomAD v4.1: 5 of 1,614,122 alleles (0.00031%); highest among the groups gnomAD compares: South Asian, 0.0011%; no homozygotes.

Submission:

Greenwood Genetic Center Diagnostic Laboratories, Greenwood Genetic Center
Classification: Uncertain significance. Last evaluated: 2022-08-29. Review status: criteria provided, single submitter. Criteria: ACMG Guidelines, 2015. Collection method: clinical testing. Allele origin: germline. Affected: yes.
Comment: Gene of Uncertain Significance